The following is an entry in ClinVar:

NM_007294.4(BRCA1):c.1928G>T (p.Ser643Ile)

Gene: BRCA1 (BRCA1 DNA repair associated; minus strand). Cytogenetic location: 17q21.31.
Variant type: single nucleotide variant.
Coding change: c.1928G>T on transcript NM_007294.4 (MANE Select); coding-DNA position 1928, G replaced by T.
Protein change: p.Ser643Ile; replaces serine 643 with isoleucine.
Molecular consequence: missense variant. On other transcripts: intron variant (137).
Genome position (GRCh38, 1-based): chr17:43,093,603, C>A on the plus strand (G>T on the coding strand, the complement: BRCA1 is on the minus strand). VCF-style: chr17-43093603-C-A. GRCh37 (hg19) VCF-style: chr17-41245620-C-A.
Other names: c.1715G>T, p.Ser572Ile (NM_001407571.1, NM_001407915.1, NM_001407916.1 and 9 more transcripts); c.1928G>T, p.Ser643Ile (NM_001407581.1, NM_001407582.1, NM_001407583.1 and 30 more transcripts); c.1925G>T, p.Ser642Ile (NM_001407587.1, NM_001407590.1, NM_001407591.1 and 22 more transcripts); c.1850G>T, p.Ser617Ile (NM_001407654.1, NM_001407655.1, NM_001407656.1 and 4 more transcripts); c.1847G>T, p.Ser616Ile (NM_001407659.1, NM_001407660.1, NM_001407661.1 and 1 more transcripts); c.1802G>T, p.Ser601Ile (NM_001407673.1, NM_001407649.1, NM_001407670.1 and 11 more transcripts); c.1805G>T, p.Ser602Ile (NM_001407674.1, NM_001407675.1, NM_001407676.1 and 19 more transcripts); c.1787G>T, p.Ser596Ile (NM_001407692.1, NM_001407694.1, NM_001407695.1 and 29 more transcripts); and 40 more; short protein forms S643I, S596I, S515I, S531I, S601I, S616I, S347I, S572I.
Identifiers: ClinVar variation 233327 (VCV000233327.22), dbSNP rs876660335, ClinGen allele CA10580643.

ClinVar aggregate classification (germline): Conflicting classifications of pathogenicity. Review status: criteria provided, conflicting classifications (1 of 4 stars). 5 submissions from 5 submitters: Uncertain significance (4); Likely benign (1). Last evaluated 2025-09-08.

Conditions:
Hereditary cancer-predisposing syndrome. Also called: Tumor predisposition; Hereditary Cancer Syndrome; Neoplastic Syndromes, Hereditary; Hereditary neoplastic syndrome. Identifiers: Orphanet 140162, MedGen C0027672, MeSH D009386, MONDO:0015356.
Hereditary breast ovarian cancer syndrome. Also called: Breast and ovarian cancer; Hereditary breast and ovarian cancer; Hereditary breast and ovarian cancer syndrome; Hereditary breast and/or ovarian cancer syndrome; BRCA1- and BRCA2-Associated Hereditary Breast and Ovarian Cancer; Hereditary breast and ovarian cancer syndrome (HBOC). Identifiers: Orphanet 145, MedGen C0677776, MeSH D061325, MONDO:0003582. Disease mechanism: loss of function.
Breast-ovarian cancer, familial, susceptibility to, 1 (BROVCA1). Also called: BRCA1 Hereditary Breast and Ovarian Cancer; OVARIAN CANCER, SUSCEPTIBILITY TO. Identifiers: Orphanet 145, MedGen C2676676, MONDO:0011450, OMIM 604370. Disease mechanism: loss of function.

Allele frequency attached by ClinVar (database versions not stated): gnomAD exomes 0.00001.
gnomAD v4.1: 8 of 1,614,038 alleles (0.0005%); highest among the groups gnomAD compares: Non-Finnish European, 0.00059%; no homozygotes.

Submissions (5):

Ambry Genetics
Classification: Uncertain significance for Hereditary cancer-predisposing syndrome. Last evaluated: 2025-09-08. Review status: criteria provided, single submitter. Criteria: Ambry Variant Classification Scheme 2023. Collection method: clinical testing. Allele origin: germline.
Comment: The p.S643I variant (also known as c.1928G>T), located in coding exon 9 of the BRCA1 gene, results from a G to T substitution at nucleotide position 1928. The serine at codon 643 is replaced by isoleucine, an amino acid with dissimilar properties. This amino acid position is well conserved in available vertebrate species. In addition, this alteration is predicted to be deleterious by in silico analysis. Based on the available evidence, the clinical significance of this variant remains unclear.

Quest Diagnostics Nichols Institute San Juan Capistrano
Classification: Uncertain significance. Last evaluated: 2024-04-10. Review status: criteria provided, single submitter. Criteria: Quest Diagnostics criteria. Collection method: clinical testing. Allele origin: unknown.
Comment: The BRCA1 c.1928G>T (p.Ser643Ile) variant has been reported in the published literature to be located in a region of the BRCA1 gene that is tolerant to missense sequence changes (PMID: 31911673 (2020)) and predicted to have a neutral functional impact (PMID: 32377563 (2020)). To the best of our knowledge, this variant has not been reported in individuals with BRCA1-related disorders. This variant has not been reported in large, multi-ethnic general populations (Genome Aggregation Database). Analysis of this variant using bioinformatics tools for the prediction of the effect of amino acid changes on protein structure and function yielded predictions that this variant is damaging. Based on the available information, we are unable to determine the clinical significance of this variant.

All of Us Research Program, National Institutes of Health
Classification: Uncertain significance for Breast-ovarian cancer, familial, susceptibility to, 1. Last evaluated: 2023-06-26. Review status: criteria provided, single submitter. Criteria: ACMG Guidelines, 2015. Collection method: clinical testing. Allele origin: germline. Inheritance: Autosomal dominant inheritance. Observed: 1 variant allele, 1 heterozygote.
Comment: This missense variant replaces serine with isoleucine at codon 643 of the BRCA1 protein. Computational prediction suggests that this variant may have deleterious impact on protein structure and function (internally defined REVEL score threshold >= 0.7, PMID: 27666373). To our knowledge, functional studies have not been reported for this variant. This variant has not been reported in individuals affected with BRCA1-related disorders in the literature. This variant has not been identified in the general population by the Genome Aggregation Database (gnomAD). The available evidence is insufficient to determine the role of this variant in disease conclusively. Therefore, this variant is classified as a Variant of Uncertain Significance.

This study involves interpretation of variants in research participants for the purpose of population health screening. Participant phenotype was not available at the time of variant classification. Additional details can be found in publication PMID: 35346344, PMCID: PMC8962531

University of Washington Department of Laboratory Medicine, University of Washington
Classification: Likely benign for Hereditary cancer-predisposing syndrome. Last evaluated: 2023-03-23. Review status: criteria provided, single submitter. Criteria: Dines et al. (Genet Med. 2020). Collection method: curation. Allele origin: germline.
Comment: Missense variant in a coldspot region where missense variants are very unlikely to be pathogenic (PMID:31911673).

BRCA1 coldspot (exon 11 using historical exon numbering). Reclassification based on statistical prior probability

Labcorp Genetics (formerly Invitae), Labcorp
Classification: Uncertain significance for Hereditary breast ovarian cancer syndrome. Last evaluated: 2022-09-20. Review status: criteria provided, single submitter. Criteria: Invitae Variant Classification Sherloc (09022015). Collection method: clinical testing. Allele origin: germline.
Comment: In summary, the available evidence is currently insufficient to determine the role of this variant in disease. Therefore, it has been classified as a Variant of Uncertain Significance. Advanced modeling of protein sequence and biophysical properties (such as structural, functional, and spatial information, amino acid conservation, physicochemical variation, residue mobility, and thermodynamic stability) performed at Invitae indicates that this missense variant is not expected to disrupt BRCA1 protein function. ClinVar contains an entry for this variant (Variation ID: 233327). This variant has not been reported in the literature in individuals affected with BRCA1-related conditions. This variant is not present in population databases (gnomAD no frequency). This sequence change replaces serine, which is neutral and polar, with isoleucine, which is neutral and non-polar, at codon 643 of the BRCA1 protein (p.Ser643Ile).

Literature cited by the submitters: PubMed 31911673 (cited by Quest Diagnostics Nichols Institute San Juan Capistrano); PubMed 31853058 (cited by Quest Diagnostics Nichols Institute San Juan Capistrano); PubMed 32377563 (cited by Quest Diagnostics Nichols Institute San Juan Capistrano).